The following is an entry in ClinVar:

ClinVar aggregate classification (germline): Uncertain significance (1 of 4 stars; one submission).

Submission:

Women's Health and Genetics/Laboratory Corporation of America, LabCorp
Classification: Uncertain significance. Last evaluated: 2025-04-03. Review status: criteria provided, single submitter. Criteria: LabCorp Variant Classification Summary - May 2015. Collection method: clinical testing. Allele origin: germline.
Comment: Variant summary: HSD17B10 c.193G>A (p.Val65Met) results in a conservative amino acid change in the encoded protein sequence. Two of three in-silico tools predict a damaging effect of the variant on protein function. Consensus agreement among computation tools predict no significant impact on normal splicing. However, these predictions have yet to be confirmed by functional studies. The variant was absent in 181029 control chromosomes. The available data on variant occurrences in the general population are insufficient to allow any conclusion about variant significance. To our knowledge, c.193G>A has not been reported in individuals affected with 2-Methyl-3-Hydroxybutyric Aciduria. No experimental evidence demonstrating an impact on protein function has been reported. ClinVar contains an entry for this variant (Variation ID: 3242577). Based on the evidence outlined above, the variant was classified as uncertain significance.

NM_004493.3(HSD17B10):c.193G>A (p.Val65Met)

Gene: HSD17B10 (hydroxysteroid 17-beta dehydrogenase 10; minus strand). Cytogenetic location: Xp11.22.
Variant type: single nucleotide variant.
Coding change: c.193G>A on transcript NM_004493.3 (MANE Select); coding-DNA position 193, G replaced by A.
Protein change: p.Val65Met; replaces valine 65 with methionine.
Molecular consequence: missense variant.
Genome position (GRCh38, 1-based): chrX:53,432,411, C>T on the plus strand (G>A on the coding strand, the complement: HSD17B10 is on the minus strand). VCF-style: chrX-53432411-C-T. GRCh37 (hg19) VCF-style: chrX-53459359-C-T.
Other names: c.193G>A, p.Val65Met (NM_001037811.2); short protein forms V65M.
Identifiers: ClinVar variation 3242577 (VCV003242577.4), dbSNP rs2521098814.
Genomic context (GRCh38, chrX:53,432,411, plus strand): 5'-CACGGCCAAACTTTCCTTTTGCTAGAGCCAGAGCTGTTTGCACATCCTTCTCAGAGGTCA[C>T]CTTCAAAGAGAGAAGTGGAGAAGGTATTCATCTCCCAGCACCCACTCTTCCCACTAAACC-3'
Protein context (NP_004484.1, residues 55-75): GNNCVFAPAD[Val65Met]TSEKDVQTAL